The following is an entry in ClinVar:

ClinVar aggregate classification (germline): Likely pathogenic (1 of 4 stars; one submission).

Conditions:
Succinate-semialdehyde dehydrogenase deficiency (SSADHD). Also called: Succinic Semialdehyde Dehydrogenase Deficiency; SSADH DEFICIENCY; 4-HYDROXYBUTYRIC ACIDURIA; GABA METABOLIC DEFECT. Identifiers: Orphanet 22, MedGen C0268631, MONDO:0010083, OMIM 271980.

Submission:

Elsea Laboratory, Baylor College of Medicine
Classification: Likely pathogenic for Succinate-semialdehyde dehydrogenase deficiency. Last evaluated: 2021-03-08. Review status: criteria provided, single submitter. Criteria: Martin et al. (J Child Neurol. 2021). Collection method: curation. Allele origin: germline. Affected: yes.
Comment: catalytic domain

Literature cited by the submitters: PubMed 11901270; PubMed 33203024; PubMed 14635103.

NM_001080.3(ALDH5A1):c.1460T>A (p.Val487Glu)

Gene: ALDH5A1 (aldehyde dehydrogenase 5 family member A1; plus strand). Cytogenetic location: 6p22.3.
Variant type: single nucleotide variant.
Coding change: c.1460T>A on transcript NM_001080.3 (MANE Select); coding-DNA position 1460, T replaced by A.
Protein change: p.Val487Glu; replaces valine 487 with glutamic acid.
Molecular consequence: missense variant.
Genome position (GRCh38, 1-based): chr6:24,533,564, T>A. VCF-style: chr6-24533564-T-A. GRCh37 (hg19) VCF-style: chr6-24533792-T-A.
Other names: c.1316T>A, p.Val439Glu (NM_001368954.1); c.1499T>A, p.Val500Glu (NM_170740.1); short protein forms V500E, V487E, V439E.
Identifiers: ClinVar variation 1878487 (VCV001878487.4), dbSNP rs1581827709, ClinGen allele CA362967501.
Genomic context (GRCh38, chr6:24,533,564, plus strand): 5'-CAGGTTATTTTTACTCTCAAGACCCAGCCCAGATCTGGAGAGTGGCAGAGCAGCTGGAAG[T>A]GGGCATGGTTGGCGTCAACGAAGGATTAATTTCCTCTGTGGAGTGCCCTTTTGGTGGAGT-3'
Protein context (NP_001071.1, residues 477-497): QIWRVAEQLE[Val487Glu]GMVGVNEGLI